The following is an entry in ClinVar:

NM_006486.3(FBLN1):c.89A>G (p.Asp30Gly)

Gene: FBLN1 (fibulin 1; plus strand). Cytogenetic location: 22q13.31.
Variant type: single nucleotide variant.
Coding change: c.89A>G on transcript NM_006486.3 (MANE Select); coding-DNA position 89, A replaced by G.
Protein change: p.Asp30Gly; replaces aspartic acid 30 with glycine.
Molecular consequence: missense variant.
Genome position (GRCh38, 1-based): chr22:45,518,691, A>G. VCF-style: chr22-45518691-A-G. GRCh37 (hg19) VCF-style: chr22-45914571-A-G.
Other names: c.89A>G, p.Asp30Gly (NM_001996.4, NM_006485.4, NM_006487.3); short protein forms D30G.
Identifiers: ClinVar variation 1352644 (VCV001352644.6), dbSNP rs754853610, ClinGen allele CA10286429.
Genomic context (GRCh38, chr22:45,518,691, plus strand): 5'-CCACCCGCTGAGTGGTGAGCCACCTCTCAGCTTGTTCTCTTCCCTGCACAGTGGACGCGG[A>G]TGTCCTCCTGGAGGCCTGCTGTGCGGACGGACACCGGATGGCCACTCATCAGAAGGACTG-3'
Protein context (NP_006477.3, residues 20-40): LALLAAGVDA[Asp30Gly]VLLEACCADG

ClinVar aggregate classification (germline): Uncertain significance (1 of 4 stars; one submission).

Allele frequency attached by ClinVar (database versions not stated): gnomAD 0.00005 and 0.00006; gnomAD exomes 0.00006; TOPMed 0.00006; ExAC 0.00010.
gnomAD v4.1: 178 of 1,605,824 alleles (0.011%); highest among the groups gnomAD compares: Middle Eastern, 0.033%; no homozygotes.

Submission:

Labcorp Genetics (formerly Invitae), Labcorp
Classification: Uncertain significance. Last evaluated: 2026-01-12. Review status: criteria provided, single submitter. Criteria: Invitae Variant Classification Sherloc (09022015). Collection method: clinical testing. Allele origin: germline.
Comment: This sequence change replaces aspartic acid, which is acidic and polar, with glycine, which is neutral and non-polar, at codon 30 of the FBLN1 protein (p.Asp30Gly). This variant is present in population databases (rs754853610, gnomAD 0.02%). This variant has not been reported in the literature in individuals affected with FBLN1-related conditions. ClinVar contains an entry for this variant (Variation ID: 1352644). Experimental studies and prediction algorithms are not available or were not evaluated, and the functional significance of this variant is currently unknown. In summary, the available evidence is currently insufficient to determine the role of this variant in disease. Therefore, it has been classified as a Variant of Uncertain Significance.